The following is an entry in ClinVar:

ClinVar aggregate classification (germline): Uncertain significance (1 of 4 stars; one submission).

Conditions:
SYNE2-related disorder. Also called: SYNE2-related condition.

gnomAD v4.1: 1 of 1,613,794 alleles (0.000062%); highest among the groups gnomAD compares: Non-Finnish European, 0.000085%; no homozygotes.

Submission:

PreventionGenetics, part of Exact Sciences
Classification: Uncertain significance for SYNE2-related condition. Last evaluated: 2025-03-19. Review status: criteria provided, single submitter. Criteria: ACMG Guidelines, 2015. Collection method: clinical testing. Allele origin: germline.
Comment: The SYNE2 c.679C>G variant is predicted to result in the amino acid substitution p.Leu227Val. To our knowledge, this variant has not been reported in the literature or in a large population database (gnomAD), indicating this variant is rare. At this time, the clinical significance of this variant is uncertain due to the absence of conclusive functional and genetic evidence.

NM_182914.3(SYNE2):c.679C>G (p.Leu227Val)

Gene: SYNE2 (spectrin repeat containing nuclear envelope protein 2; plus strand). Cytogenetic location: 14q23.2.
Variant type: single nucleotide variant.
Coding change: c.679C>G on transcript NM_182914.3 (MANE Select); coding-DNA position 679, C replaced by G.
Protein change: p.Leu227Val; replaces leucine 227 with valine.
Molecular consequence: missense variant.
Genome position (GRCh38, 1-based): chr14:63,954,807, C>G. VCF-style: chr14-63954807-C-G. GRCh37 (hg19) VCF-style: chr14-64421525-C-G.
Other names: c.679C>G, p.Leu227Val (NM_015180.6); short protein forms L227V.
Identifiers: ClinVar variation 4997379 (VCV004997379.1).